The following is an entry in ClinVar:

NM_001194998.2(CEP152):c.2826C>T (p.Asn942=)

Gene: CEP152 (centrosomal protein 152; minus strand). Cytogenetic location: 15q21.1.
Variant type: single nucleotide variant.
Coding change: c.2826C>T on transcript NM_001194998.2 (MANE Select); coding-DNA position 2826, C replaced by T.
Protein change: p.Asn942=; no amino-acid change (asparagine 942 retained).
Molecular consequence: synonymous variant.
Genome position (GRCh38, 1-based): chr15:48,756,422, G>A on the plus strand (C>T on the coding strand, the complement: CEP152 is on the minus strand). VCF-style: chr15-48756422-G-A. GRCh37 (hg19) VCF-style: chr15-49048619-G-A.
Other names: c.2826C>T, p.Asn942= (NM_014985.4).
Identifiers: ClinVar variation 755782 (VCV000755782.19), dbSNP rs200733310, ClinGen allele CA7548468.

ClinVar aggregate classification (germline): Conflicting classifications of pathogenicity. Review status: criteria provided, conflicting classifications (1 of 4 stars). 5 submissions from 4 submitters: Uncertain significance (2); Likely benign (3). Last evaluated 2025-10-01.

Conditions:
Microcephaly 9, primary, autosomal recessive. Identifiers: Orphanet 2512, MedGen C3553886, MONDO:0013923, OMIM 614852.
Seckel syndrome 5 (SCKL5). Identifiers: Orphanet 808, MedGen C3151187, MONDO:0013443, OMIM 613823.

Allele frequency attached by ClinVar (database versions not stated): ESP Exome Variant Server 0.00008; 1000 Genomes Project 30x 0.00016; gnomAD 0.00016 and 0.00017; 1000 Genomes Project 0.00020; TOPMed 0.00020; gnomAD exomes 0.00026; ExAC 0.00027.
gnomAD v4.1: 368 of 1,613,372 alleles (0.023%); highest among the groups gnomAD compares: Middle Eastern, 0.12%; no homozygotes.

Submissions (5):

CeGaT Center for Human Genetics Tuebingen
Classification: Likely benign. Last evaluated: 2025-10-01. Review status: criteria provided, single submitter. Criteria: CeGaT Center For Human Genetics Tuebingen Variant Classification Criteria Version 2. Collection method: clinical testing. Allele origin: germline. Affected: yes. Observed: 1 variant allele.
Comment: CEP152: BP4, BP7

Labcorp Genetics (formerly Invitae), Labcorp
Classification: Likely benign. Last evaluated: 2025-07-01. Review status: criteria provided, single submitter. Criteria: Invitae Variant Classification Sherloc (09022015). Collection method: clinical testing. Allele origin: germline.

Blueprint Genetics
Classification: Likely benign. Last evaluated: 2024-11-05. Review status: criteria provided, single submitter. Criteria: ACMG Guidelines, 2015. Collection method: clinical testing. Allele origin: germline.

Illumina Laboratory Services, Illumina
Classification: Uncertain significance for Seckel syndrome 5. Last evaluated: 2018-01-12. Review status: criteria provided, single submitter. Criteria: ICSL Variant Classification Criteria 13 December 2019. Collection method: clinical testing. Allele origin: germline.

Illumina Laboratory Services, Illumina
Classification: Uncertain significance for Microcephaly 9, primary, autosomal recessive. Last evaluated: 2018-01-12. Review status: criteria provided, single submitter. Criteria: ICSL Variant Classification Criteria 13 December 2019. Collection method: clinical testing. Allele origin: germline.